The following is an entry in ClinVar:

ClinVar aggregate classification (germline): Uncertain significance (1 of 4 stars; one submission).

Conditions:
Inborn genetic diseases. Identifiers: MedGen C0950123, MeSH D030342.

Submission:

Ambry Genetics
Classification: Uncertain significance for Inborn genetic diseases. Last evaluated: 2024-04-05. Review status: criteria provided, single submitter. Criteria: Ambry Variant Classification Scheme 2023. Collection method: clinical testing. Allele origin: germline.
Comment: The p.L464M variant (also known as c.1390C>A), located in coding exon 15 of the ERCC2 gene, results from a C to A substitution at nucleotide position 1390. The leucine at codon 464 is replaced by methionine, an amino acid with highly similar properties. This amino acid position is conserved. In addition, this alteration is predicted to be tolerated by in silico analysis. Based on the available evidence, the clinical significance of this variant remains unclear.

NM_000400.4(ERCC2):c.1390C>A (p.Leu464Met)

Gene: ERCC2 (ERCC excision repair 2, TFIIH core complex helicase subunit; minus strand). Cytogenetic location: 19q13.32.
Variant type: single nucleotide variant.
Coding change: c.1390C>A on transcript NM_000400.4 (MANE Select); coding-DNA position 1390, C replaced by A.
Protein change: p.Leu464Met; replaces leucine 464 with methionine.
Molecular consequence: missense variant.
Genome position (GRCh38, 1-based): chr19:45,357,359, G>T on the plus strand (C>A on the coding strand, the complement: ERCC2 is on the minus strand). VCF-style: chr19-45357359-G-T. GRCh37 (hg19) VCF-style: chr19-45860617-G-T.
Other names: short protein forms L464M.
Identifiers: ClinVar variation 3276255 (VCV003276255.1).